The following is an entry in ClinVar:

NC_000002.12:g.84459308G>T

Variant type: single nucleotide variant.
Genome position: GRCh38 VCF-style: chr2-84459308-G-T. GRCh37 (hg19) VCF-style: chr2-84686432-G-T.
Identifiers: ClinVar variation 337165 (VCV000337165.8), dbSNP rs144946502, ClinGen allele CA1736460.

ClinVar aggregate classification (germline): Likely benign (1 of 4 stars; one submission).

Conditions:
Mitochondrial DNA depletion syndrome 9 (MTDPS9). Also called: SUCLG1-Related Mitochondrial DNA Depletion Syndrome, Encephalomyopathic Form with Methylmalonic Aciduria. Identifiers: Orphanet 17, MedGen C3151476, MONDO:0009504, OMIM 245400.

Submission:

3billion
Classification: Likely benign for Mitochondrial DNA depletion syndrome 9. Last evaluated: 2024-09-20. Review status: criteria provided, single submitter. Criteria: ACMG Guidelines, 2015. Collection method: clinical testing. Allele origin: germline. Affected: no.
Comment: The homozygous variant was found in patients diagnosed with another variant in a different gene, with no symptoms related to the gene containing the homozygous variant.